The following is an entry in ClinVar:

NM_018419.3(SOX18):c.664G>A (p.Gly222Ser)

Gene: SOX18 (SRY-box transcription factor 18; minus strand). Cytogenetic location: 20q13.33.
Variant type: single nucleotide variant.
Coding change: c.664G>A on transcript NM_018419.3 (MANE Select); coding-DNA position 664, G replaced by A.
Protein change: p.Gly222Ser; replaces glycine 222 with serine.
Molecular consequence: missense variant.
Genome position (GRCh38, 1-based): chr20:64,048,657, C>T on the plus strand (G>A on the coding strand, the complement: SOX18 is on the minus strand). VCF-style: chr20-64048657-C-T. GRCh37 (hg19) VCF-style: chr20-62680010-C-T.
Other names: short protein forms G222S.
Identifiers: ClinVar variation 4748188 (VCV004748188.1).

ClinVar aggregate classification (germline): Uncertain significance (1 of 4 stars; one submission).

gnomAD v4.1: 28 of 1,280,756 alleles (0.0022%); highest among the groups gnomAD compares: African/African-American, 0.0047%; no homozygotes.

Submission:

Labcorp Genetics (formerly Invitae), Labcorp
Classification: Uncertain significance. Last evaluated: 2025-06-22. Review status: criteria provided, single submitter. Criteria: Invitae Variant Classification Sherloc (09022015). Collection method: clinical testing. Allele origin: germline.
Comment: This sequence change replaces glycine, which is neutral and non-polar, with serine, which is neutral and polar, at codon 222 of the SOX18 protein (p.Gly222Ser). This variant is present in population databases (no rsID available, gnomAD 0.01%). This variant has not been reported in the literature in individuals affected with SOX18-related conditions. Invitae Evidence Modeling of protein sequence and biophysical properties (such as structural, functional, and spatial information, amino acid conservation, physicochemical variation, residue mobility, and thermodynamic stability) indicates that this missense variant is not expected to disrupt SOX18 protein function with a negative predictive value of 80%. In summary, the available evidence is currently insufficient to determine the role of this variant in disease. Therefore, it has been classified as a Variant of Uncertain Significance.